The following is an entry in ClinVar:

NM_025114.4(CEP290):c.976_979del (p.Glu326fs)

Gene: CEP290 (centrosomal protein 290; minus strand). Cytogenetic location: 12q21.32.
Variant type: Deletion.
Coding change: c.976_979del on transcript NM_025114.4 (MANE Select); coding-DNA positions 976 to 979, 4 bases deleted (GAGT; older notation c.976_979delGAGT).
Protein change: p.Glu326fs; shifts the reading frame from glutamic acid 326.
Molecular consequence: frameshift variant.
Genome position (GRCh38, 1-based): chr12:88,126,402-88,126,405, ACTC deleted on the plus strand (GAGT on the coding strand, the reverse complement: CEP290 is on the minus strand); deleting any 4 consecutive bases within chr12:88,126,402-88,126,406 gives the same sequence; the c. name uses the placement nearest the transcript's 3' end. VCF-style (leftmost placement, unchanged base first): chr12-88126401-TACTC-T. GRCh37 (hg19) VCF-style: chr12-88520178-TACTC-T.
Other names: short protein forms E326fs.
Identifiers: ClinVar variation 2194494 (VCV002194494.5), dbSNP rs1231036283, ClinGen allele CA693101074.

ClinVar aggregate classification (germline): Pathogenic. Review status: criteria provided, multiple submitters, no conflicts (2 of 4 stars). 2 submissions from 2 submitters: Pathogenic (2). Last evaluated 2026-06-03.

Conditions:
CEP290-related ciliopathy. Also called: CEP290 ciliopathy. Identifiers: MedGen CN305601, MONDO:0100451.
Nephronophthisis. Also called: Juvenile Nephronophthisis. Identifiers: Orphanet 655, MedGen C0687120, MONDO:0019005, HP:0000090.
Meckel-Gruber syndrome. Also called: DYSENCEPHALIA SPLANCHNOCYSTICA; GRUBER SYNDROME; Dysencephalia splachnocystica. Identifiers: Orphanet 564, MedGen C0265215, MONDO:0018921.
Joubert syndrome. Also called: JOUBERT-BOLTSHAUSER SYNDROME; Familial aplasia of the vermis. Identifiers: Orphanet 475, MedGen C5979921, MONDO:0018772.

Submissions (2):

Myriad Genetics, Inc.
Classification: Pathogenic for CEP290-related ciliopathy. Last evaluated: 2026-06-03. Review status: criteria provided, single submitter. Criteria: Myriad Autosomal Dominant, Autosomal Recessive and X-Linked Classification Criteria (2023). Collection method: clinical testing. Allele origin: unknown.
Comment: NM_025114.3(CEP290):c.976_979delGAGT(E326Ifs*8) is a frameshift variant classified as pathogenic in the context of CEP290-related disorders. E326Ifs*8 has not been observed in cases with relevant disease. Relevant functional assessments of this variant are not available in the literature. E326Ifs*8 has not been observed in referenced population frequency databases. In summary, NM_025114.3(CEP290):c.976_979delGAGT(E326Ifs*8) is a frameshift variant in a gene where loss of function is a known mechanism of disease and is predicted to disrupt protein function. Please note: this variant was assessed in the context of healthy population screening.

Labcorp Genetics (formerly Invitae), Labcorp
Classification: Pathogenic for Joubert syndrome; Meckel-Gruber syndrome; Nephronophthisis. Last evaluated: 2024-05-20. Review status: criteria provided, single submitter. Criteria: Invitae Variant Classification Sherloc (09022015). Collection method: clinical testing. Allele origin: germline.
Comment: This sequence change creates a premature translational stop signal (p.Glu326Ilefs*8) in the CEP290 gene. It is expected to result in an absent or disrupted protein product. Loss-of-function variants in CEP290 are known to be pathogenic (PMID: 16909394, 17345604, 20690115). This variant is not present in population databases (gnomAD no frequency). This variant has not been reported in the literature in individuals affected with CEP290-related conditions. ClinVar contains an entry for this variant (Variation ID: 2194494). Algorithms developed to predict the effect of sequence changes on RNA splicing suggest that this variant may disrupt the consensus splice site. For these reasons, this variant has been classified as Pathogenic.

Literature cited by the submitters: PubMed 16909394 (cited by Labcorp Genetics (formerly Invitae), Labcorp); PubMed 17345604 (cited by Labcorp Genetics (formerly Invitae), Labcorp); PubMed 20690115 (cited by Labcorp Genetics (formerly Invitae), Labcorp).